The following is an entry in ClinVar:

ClinVar aggregate classification (germline): Uncertain significance (1 of 4 stars; one submission).

Conditions:
Primary ciliary dyskinesia. Also called: Ciliary dyskinesia. Identifiers: Orphanet 244, MedGen C0008780, MONDO:0016575, HP:0012265.

gnomAD v4.1: 5 of 1,614,202 alleles (0.00031%); highest among the groups gnomAD compares: Admixed American, 0.0067%; no homozygotes.

Submission:

Ambry Genetics
Classification: Uncertain significance for Primary ciliary dyskinesia. Last evaluated: 2025-08-27. Review status: criteria provided, single submitter. Criteria: Ambry Variant Classification Scheme 2023. Collection method: clinical testing. Allele origin: germline.
Comment: The p.M3357V variant (also known as c.10069A>G), located in coding exon 59 of the DNAH5 gene, results from an A to G substitution at nucleotide position 10069. The methionine at codon 3357 is replaced by valine, an amino acid with highly similar properties. This amino acid position is conserved. In addition, this alteration is predicted to be deleterious by in silico analysis. Based on the available evidence, the clinical significance of this variant remains unclear.

NM_001369.3(DNAH5):c.10069A>G (p.Met3357Val)

Gene: DNAH5 (dynein axonemal heavy chain 5; minus strand). Cytogenetic location: 5p15.2.
Variant type: single nucleotide variant.
Coding change: c.10069A>G on transcript NM_001369.3 (MANE Select); coding-DNA position 10069, A replaced by G.
Protein change: p.Met3357Val; replaces methionine 3357 with valine.
Molecular consequence: missense variant.
Genome position (GRCh38, 1-based): chr5:13,766,008, T>C on the plus strand (A>G on the coding strand, the complement: DNAH5 is on the minus strand). VCF-style: chr5-13766008-T-C. GRCh37 (hg19) VCF-style: chr5-13766117-T-C.
Other names: short protein forms M3357V.
Identifiers: ClinVar variation 4242577 (VCV004242577.1).